The following is an entry in ClinVar:

NM_022765.4(MICAL1):c.2383G>A (p.Val795Ile)

Gene: MICAL1 (microtubule associated monooxygenase, calponin and LIM domain containing 1; minus strand). Cytogenetic location: 6q21.
Variant type: single nucleotide variant.
Coding change: c.2383G>A on transcript NM_022765.4 (MANE Select); coding-DNA position 2383, G replaced by A.
Protein change: p.Val795Ile; replaces valine 795 with isoleucine.
Molecular consequence: missense variant.
Genome position (GRCh38, 1-based): chr6:109,446,334, C>T on the plus strand (G>A on the coding strand, the complement: MICAL1 is on the minus strand). VCF-style: chr6-109446334-C-T. GRCh37 (hg19) VCF-style: chr6-109767537-C-T.
Other names: c.2125G>A, p.Val709Ile (NM_001159291.2); c.2440G>A, p.Val814Ile (NM_001286613.2); short protein forms V709I, V795I, V814I.
Identifiers: ClinVar variation 2701249 (VCV002701249.3), dbSNP rs2482775292, ClinGen allele CA365223827.

ClinVar aggregate classification (germline): Uncertain significance (1 of 4 stars; one submission).

Submission:

Labcorp Genetics (formerly Invitae), Labcorp
Classification: Uncertain significance. Last evaluated: 2023-12-06. Review status: criteria provided, single submitter. Criteria: Invitae Variant Classification Sherloc (09022015). Collection method: clinical testing. Allele origin: germline.
Comment: This sequence change replaces valine, which is neutral and non-polar, with isoleucine, which is neutral and non-polar, at codon 814 of the MICAL1 protein (p.Val814Ile). This variant is not present in population databases (gnomAD no frequency). This variant has not been reported in the literature in individuals affected with MICAL1-related conditions. Algorithms developed to predict the effect of missense changes on protein structure and function output the following: SIFT: "Not Available"; PolyPhen-2: "Benign"; Align-GVGD: "Not Available". The isoleucine amino acid residue is found in multiple mammalian species, which suggests that this missense change does not adversely affect protein function. In summary, the available evidence is currently insufficient to determine the role of this variant in disease. Therefore, it has been classified as a Variant of Uncertain Significance.